The following is an entry in ClinVar:

ClinVar aggregate classification (germline): Uncertain significance (1 of 4 stars; one submission).

Conditions:
Myopathy, proximal, and ophthalmoplegia (CMYO6). Also called: INCLUSION BODY MYOPATHY 3, AUTOSOMAL DOMINANT; CONGENITAL MYOPATHY 6 WITH OPHTHALMOPLEGIA; MYOPATHY WITH CONGENITAL JOINT CONTRACTURES, OPHTHALMOPLEGIA, AND RIMMED VACUOLES. Identifiers: Orphanet 363677, Orphanet 79091, MedGen C1854106, MONDO:0011577, OMIM 605637.

Submission:

Labcorp Genetics (formerly Invitae), Labcorp
Classification: Uncertain significance for Myopathy, proximal, and ophthalmoplegia. Last evaluated: 2025-11-28. Review status: criteria provided, single submitter. Criteria: Invitae Variant Classification Sherloc (09022015). Collection method: clinical testing. Allele origin: germline.
Comment: This sequence change replaces isoleucine, which is neutral and non-polar, with threonine, which is neutral and polar, at codon 1611 of the MYH2 protein (p.Ile1611Thr). This variant is not present in population databases (gnomAD no frequency). This variant has not been reported in the literature in individuals affected with MYH2-related conditions. Invitae Evidence Modeling of protein sequence and biophysical properties (such as structural, functional, and spatial information, amino acid conservation, physicochemical variation, residue mobility, and thermodynamic stability) indicates that this missense variant is not expected to disrupt MYH2 protein function with a negative predictive value of 80%. In summary, the available evidence is currently insufficient to determine the role of this variant in disease. Therefore, it has been classified as a Variant of Uncertain Significance.

NM_017534.6(MYH2):c.4832T>C (p.Ile1611Thr)

Genes: MYHAS (myosin heavy chain gene cluster antisense RNA; plus strand), MYH2 (myosin heavy chain 2; minus strand), LOC126862500 (BRD4-independent group 4 enhancer GRCh37_chr17:10427829-10429028; plus strand). Cytogenetic location: 17p13.1.
Variant type: single nucleotide variant.
Coding change: c.4832T>C on transcript NM_017534.6 (MANE Select); coding-DNA position 4832, T replaced by C.
Protein change: p.Ile1611Thr; replaces isoleucine 1611 with threonine.
Molecular consequence: missense variant.
Genome position (GRCh38, 1-based): chr17:10,524,896, A>G on the plus strand (T>C on the coding strand, the complement: MYH2 is on the minus strand). VCF-style: chr17-10524896-A-G. GRCh37 (hg19) VCF-style: chr17-10428213-A-G.
Other names: c.4832T>C, p.Ile1611Thr (NM_001100112.2); short protein forms I1611T.
Identifiers: ClinVar variation 4739467 (VCV004739467.1).
Genomic context (GRCh38, chr17:10,524,896, plus strand): 5'-ATTTCATTGAGGTCTCCCTCCATCTTCTTCTTGAGCCTAATGGCATCATTCCTACTCCTG[A>G]TCTCAGCATCCAGCGTGCTCTGCATGGACTCCACGATTCTAATGTGGTTTCTCTTCAGCT-3'
Protein context (NP_060004.3, residues 1601-1621): ESMQSTLDAE[Ile1611Thr]RSRNDAIRLK